The following is an entry in ClinVar:

ClinVar aggregate classification (germline): Conflicting classifications of pathogenicity. Review status: criteria provided, conflicting classifications (1 of 4 stars). 5 submissions from 5 submitters: Uncertain significance (1); Benign (1); Likely benign (2). 1 of the submissions does not count toward it. Last evaluated 2025-12-11.

Conditions:
Inborn genetic diseases. Identifiers: MedGen C0950123, MeSH D030342.
Severe X-linked myotubular myopathy (CNMX). Also called: Myotubular myopathy, X-linked; MYOTUBULAR MYOPATHY 1; X-linked centronuclear myopathy. Identifiers: Orphanet 596, MedGen C0410203, MONDO:0010683, OMIM 310400.
MTM1-related disorder. Also called: MTM1-related condition.

Allele frequency attached by ClinVar (database versions not stated): ExAC 0.00003; gnomAD exomes 0.00003 and 0.00004; TOPMed 0.00003; gnomAD 0.00004 and 0.00005.
gnomAD v4.1: 43 of 1,124,901 alleles (0.0038%); highest among the groups gnomAD compares: Middle Eastern, 0.15%; no homozygotes.

Submissions (5):

Ambry Genetics
Classification: Uncertain significance for Inborn genetic diseases. Last evaluated: 2025-12-11. Review status: criteria provided, single submitter. Criteria: Ambry Variant Classification Scheme 2023. Collection method: clinical testing. Allele origin: germline.

PreventionGenetics, part of Exact Sciences
Classification: Likely benign for MTM1-related condition. Last evaluated: 2025-09-03. Review status: criteria provided, single submitter. Criteria: ACMG Guidelines, 2015. Collection method: clinical testing. Allele origin: germline.
Comment: This variant is classified as likely benign based on ACMG/AMP sequence variant interpretation guidelines (Richards et al. 2015 PMID: 25741868, with internal and published modifications).

Labcorp Genetics (formerly Invitae), Labcorp
Classification: Benign for Severe X-linked myotubular myopathy. Last evaluated: 2025-08-03. Review status: criteria provided, single submitter. Criteria: Invitae Variant Classification Sherloc (09022015). Collection method: clinical testing. Allele origin: germline.

Blueprint Genetics
Classification: Likely benign. Last evaluated: 2024-02-15. Review status: criteria provided, single submitter. Criteria: ACMG Guidelines, 2015. Collection method: clinical testing. Allele origin: germline.

Natera, Inc.
Classification: Likely benign for Severe X-linked myotubular myopathy. Last evaluated: 2020-01-31. Review status: no assertion criteria provided. Collection method: clinical testing. Allele origin: germline. Not counted in ClinVar's aggregate classification.

NM_000252.3(MTM1):c.230C>T (p.Thr77Met)

Gene: MTM1 (myotubularin 1; plus strand). Cytogenetic location: Xq28.
Variant type: single nucleotide variant.
Coding change: c.230C>T on transcript NM_000252.3 (MANE Select); coding-DNA position 230, C replaced by T.
Protein change: p.Thr77Met; replaces threonine 77 with methionine.
Molecular consequence: missense variant.
Genome position (GRCh38, 1-based): chrX:150,598,685, C>T. VCF-style: chrX-150598685-C-T. GRCh37 (hg19) VCF-style: chrX-149767149-C-T.
Other names: c.230C>T, p.Thr77Met (NM_001376906.1, NM_001376907.1, NM_001376908.1); short protein forms T77M.
Identifiers: ClinVar variation 761400 (VCV000761400.20), dbSNP rs782640338, ClinGen allele CA10539059.